The following is an entry in ClinVar:

NM_025136.4(OPA3):c.182T>C (p.Met61Thr)

Genes: OPA3 (outer mitochondrial membrane lipid metabolism regulator OPA3; minus strand), OPA3-RTN2 (OPA3-RTN2 readthrough; minus strand). Cytogenetic location: 19q13.32.
Variant type: single nucleotide variant.
Coding change: c.182T>C on transcript NM_025136.4 (MANE Select); coding-DNA position 182, T replaced by C.
Protein change: p.Met61Thr; replaces methionine 61 with threonine.
Molecular consequence: missense variant. On other transcripts: intron variant (1).
Genome position (GRCh38, 1-based): chr19:45,553,872, A>G on the plus strand (T>C on the coding strand, the complement: OPA3 is on the minus strand). VCF-style: chr19-45553872-A-G. GRCh37 (hg19) VCF-style: chr19-46057130-A-G.
Other names: c.143-24416T>C (NM_001017989.3); short protein forms M61T.
Identifiers: ClinVar variation 958430 (VCV000958430.7), dbSNP rs1052079541, ClinGen allele CA406371351.
Genomic context (GRCh38, chr19:45,553,872, plus strand): 5'-GCGCCCAGCTCAGCTGCCGCCTCCTCGTTCAGCGGCTTGATGACCGTGCCCCGGAAGCCC[A>G]TGATGCGCATCTTGGTCCGCATCTCCACCCAGTGATACACTGCGGGGGAAGAGAGGGGTC-3'
Protein context (NP_079412.1, residues 51-71): WVEMRTKMRI[Met61Thr]GFRGTVIKPL

ClinVar aggregate classification (germline): Uncertain significance (1 of 4 stars; one submission).

Conditions:
3-Methylglutaconic aciduria type 3 (MGCA3). Also called: OPA3-Related 3-Methylglutaconic Aciduria; Costeff Syndrome; OPA3, AUTOSOMAL RECESSIVE; OPTIC ATROPHY 3, AUTOSOMAL RECESSIVE. Identifiers: Orphanet 67047, MedGen C0574084, MONDO:0009787, OMIM 258501.
Optic atrophy 3 (OPA3). Also called: Optic atrophy 3 with cataract; Optic atrophy, cataract, and neurologic disorder; OPTIC ATROPHY 3, AUTOSOMAL DOMINANT. Identifiers: Orphanet 67036, MedGen C1833809, MONDO:0008133, OMIM 165300.

Submission:

Labcorp Genetics (formerly Invitae), Labcorp
Classification: Uncertain significance for 3-Methylglutaconic aciduria type 3; Optic atrophy 3. Last evaluated: 2022-02-11. Review status: criteria provided, single submitter. Criteria: Invitae Variant Classification Sherloc (09022015). Collection method: clinical testing. Allele origin: germline.
Comment: This sequence change replaces methionine, which is neutral and non-polar, with threonine, which is neutral and polar, at codon 61 of the OPA3 protein (p.Met61Thr). This variant is not present in population databases (gnomAD no frequency). This variant has not been reported in the literature in individuals affected with OPA3-related conditions. ClinVar contains an entry for this variant (Variation ID: 958430). Algorithms developed to predict the effect of missense changes on protein structure and function (SIFT, PolyPhen-2, Align-GVGD) all suggest that this variant is likely to be disruptive. In summary, the available evidence is currently insufficient to determine the role of this variant in disease. Therefore, it has been classified as a Variant of Uncertain Significance.